The following is an entry in ClinVar:

ClinVar aggregate classification (germline): Uncertain significance (1 of 4 stars; one submission).

Conditions:
Leukocyte adhesion deficiency 3. Also called: Leukocyte adhesion deficiency, type III; INTEGRIN ACTIVATION DEFICIENCY DISEASE; LEUKOCYTE ADHESION DEFICIENCY 1 VARIANT. Identifiers: Orphanet 2968, Orphanet 99844, MedGen C2748536, MONDO:0013016, OMIM 612840.

Allele frequency attached by ClinVar (database versions not stated): gnomAD exomes below 0.00001; gnomAD 0.00001; TOPMed 0.00001.
gnomAD v4.1: 12 of 1,606,422 alleles (0.00075%); highest among the groups gnomAD compares: East Asian, 0.0045%; no homozygotes.

Submission:

Labcorp Genetics (formerly Invitae), Labcorp
Classification: Uncertain significance for Leukocyte adhesion deficiency 3. Last evaluated: 2025-11-24. Review status: criteria provided, single submitter. Criteria: Invitae Variant Classification Sherloc (09022015). Collection method: clinical testing. Allele origin: germline.
Comment: This sequence change replaces isoleucine, which is neutral and non-polar, with valine, which is neutral and non-polar, at codon 301 of the FERMT3 protein (p.Ile301Val). This variant is present in population databases (no rsID available, gnomAD 0.06%). This variant has not been reported in the literature in individuals affected with FERMT3-related conditions. ClinVar contains an entry for this variant (Variation ID: 646303). Invitae Evidence Modeling of protein sequence and biophysical properties (such as structural, functional, and spatial information, amino acid conservation, physicochemical variation, residue mobility, and thermodynamic stability) indicates that this missense variant is not expected to disrupt FERMT3 protein function with a negative predictive value of 80%. In summary, the available evidence is currently insufficient to determine the role of this variant in disease. Therefore, it has been classified as a Variant of Uncertain Significance.

NM_031471.6(FERMT3):c.901A>G (p.Ile301Val)

Gene: FERMT3 (FERM domain containing kindlin 3; plus strand). Cytogenetic location: 11q13.1.
Variant type: single nucleotide variant.
Coding change: c.901A>G on transcript NM_031471.6 (MANE Select); coding-DNA position 901, A replaced by G.
Protein change: p.Ile301Val; replaces isoleucine 301 with valine.
Molecular consequence: missense variant.
Genome position (GRCh38, 1-based): chr11:64,219,530, A>G. VCF-style: chr11-64219530-A-G. GRCh37 (hg19) VCF-style: chr11-63987002-A-G.
Other names: c.901A>G, p.Ile301Val (NM_001382361.1, NM_001382362.1, NM_001382448.1 and 1 more transcripts); c.361A>G, p.Ile121Val (NM_001382363.1, NM_001382364.1); short protein forms I301V, I121V.
Identifiers: ClinVar variation 646303 (VCV000646303.9), dbSNP rs906322276, ClinGen allele CA223844444.
Genomic context (GRCh38, chr11:64,219,530, plus strand): 5'-TGCTAGGGGACCAGGCTGCTGGACTCAGCCCTCCCTGGCTTCATGACCACCTAGTACCAC[A>G]TCAACAAGCTGTCCCAGAGCGGGGAGGTGGGGGAGCCGGCTGGCACAGACCCAGGGCTGG-3'
Protein context (NP_113659.3, residues 291-311): MMVFAALQYH[Ile301Val]NKLSQSGEVG